The following is an entry in ClinVar:

ClinVar aggregate classification (germline): Uncertain significance (1 of 4 stars; one submission).

Conditions:
Hereditary cancer-predisposing syndrome. Also called: Hereditary neoplastic syndrome; Neoplastic Syndromes, Hereditary; Tumor predisposition; Hereditary Cancer Syndrome. Identifiers: Orphanet 140162, MedGen C0027672, MeSH D009386, MONDO:0015356.

Submission:

Ambry Genetics
Classification: Uncertain significance for Hereditary cancer-predisposing syndrome. Last evaluated: 2025-08-27. Review status: criteria provided, single submitter. Criteria: Ambry Variant Classification Scheme 2023. Collection method: clinical testing. Allele origin: germline.
Comment: The p.Q316H variant (also known as c.948G>C), located in coding exon 11 of the MUTYH gene, results from a G to C substitution at nucleotide position 948. The glutamine at codon 316 is replaced by histidine, an amino acid with highly similar properties. This amino acid position is conserved. In addition, this alteration is predicted to be tolerated by in silico analysis. Based on the available evidence, the clinical significance of this variant remains unclear.

NM_001048174.2(MUTYH):c.864G>C (p.Gln288His)

Gene: MUTYH (mutY DNA glycosylase; minus strand). Cytogenetic location: 1p34.1.
Variant type: single nucleotide variant.
Coding change: c.864G>C on transcript NM_001048174.2 (MANE Select); coding-DNA position 864, G replaced by C.
Protein change: p.Gln288His; replaces glutamine 288 with histidine.
Molecular consequence: missense variant. On other transcripts: non-coding transcript variant (7).
Genome position (GRCh38, 1-based): chr1:45,332,072, C>G on the plus strand (G>C on the coding strand, the complement: MUTYH is on the minus strand). VCF-style: chr1-45332072-C-G. GRCh37 (hg19) VCF-style: chr1-45797744-C-G.
Other names: c.588G>C, p.Gln196His (NM_001293196.2, NM_001407091.1, NM_001293192.2); c.519G>C, p.Gln173His (NM_001350650.2, NM_001350651.2, NM_001407082.1); c.897G>C, p.Gln299His (NM_001407069.1, NM_001293191.2, NM_001407077.1); c.864G>C, p.Gln288His (NM_001407070.1, NM_001407072.1, NM_001407073.1 and 6 more transcripts); c.867G>C, p.Gln289His (NM_001407071.1, NM_001048172.2, NM_001407078.1 and 1 more transcripts); c.780G>C, p.Gln260His (NM_001407075.1); c.939G>C, p.Gln313His (NM_012222.3); c.948G>C, p.Gln316His (NM_001128425.2); and 5 more; short protein forms Q295H, Q303H, Q316H, Q173H, Q289H, Q299H, Q260H, Q274H.
Identifiers: ClinVar variation 4113938 (VCV004113938.1).